The following is an entry in ClinVar:

ClinVar aggregate classification (germline): Uncertain significance (1 of 4 stars; one submission).

Conditions:
MOGS-congenital disorder of glycosylation. Also called: CDG IIb; MOGS-CDG; GLUCOSIDASE I DEFICIENCY; CDG 2B. Identifiers: Orphanet 79330, MedGen C1853736, MONDO:0011629, OMIM 606056.

Allele frequency attached by ClinVar (database versions not stated): gnomAD exomes below 0.00001.
gnomAD v4.1: 1 of 1,614,190 alleles (0.000062%); highest among the groups gnomAD compares: Non-Finnish European, 0.000085%; no homozygotes.

Submission:

Labcorp Genetics (formerly Invitae), Labcorp
Classification: Uncertain significance for MOGS-congenital disorder of glycosylation. Last evaluated: 2023-04-01. Review status: criteria provided, single submitter. Criteria: Invitae Variant Classification Sherloc (09022015). Collection method: clinical testing. Allele origin: germline.
Comment: In summary, the available evidence is currently insufficient to determine the role of this variant in disease. Therefore, it has been classified as a Variant of Uncertain Significance. Advanced modeling of protein sequence and biophysical properties (such as structural, functional, and spatial information, amino acid conservation, physicochemical variation, residue mobility, and thermodynamic stability) performed at Invitae indicates that this missense variant is not expected to disrupt MOGS protein function. This variant has not been reported in the literature in individuals affected with MOGS-related conditions. This variant is not present in population databases (gnomAD no frequency). This sequence change replaces glycine, which is neutral and non-polar, with glutamic acid, which is acidic and polar, at codon 315 of the MOGS protein (p.Gly315Glu).

NM_006302.3(MOGS):c.944G>A (p.Gly315Glu)

Gene: MOGS (mannosyl-oligosaccharide glucosidase; minus strand). Cytogenetic location: 2p13.1.
Variant type: single nucleotide variant.
Coding change: c.944G>A on transcript NM_006302.3 (MANE Select); coding-DNA position 944, G replaced by A.
Protein change: p.Gly315Glu; replaces glycine 315 with glutamic acid.
Molecular consequence: missense variant.
Genome position (GRCh38, 1-based): chr2:74,462,845, C>T on the plus strand (G>A on the coding strand, the complement: MOGS is on the minus strand). VCF-style: chr2-74462845-C-T. GRCh37 (hg19) VCF-style: chr2-74689972-C-T.
Other names: c.626G>A, p.Gly209Glu (NM_001146158.2); short protein forms G315E, G209E.
Identifiers: ClinVar variation 2851375 (VCV002851375.3), dbSNP rs2529497081, ClinGen allele CA347378431.